The following is an entry in ClinVar:

ClinVar aggregate classification (germline): Uncertain significance. Review status: criteria provided, multiple submitters, no conflicts (2 of 4 stars). 2 submissions from 2 submitters: Uncertain significance (2). Last evaluated 2025-08-11.

Conditions:
DICER1-related tumor predisposition. Also called: DICER1 syndrome; DICER1-related pleuropulmonary blastoma cancer predisposition syndrome. Identifiers: Orphanet 284343, MedGen C3839822, MONDO:0100216.
Hereditary cancer-predisposing syndrome. Also called: Neoplastic Syndromes, Hereditary; Tumor predisposition; Hereditary Cancer Syndrome; Hereditary neoplastic syndrome. Identifiers: Orphanet 140162, MedGen C0027672, MeSH D009386, MONDO:0015356.

Submissions (2):

Labcorp Genetics (formerly Invitae), Labcorp
Classification: Uncertain significance for DICER1-related tumor predisposition. Last evaluated: 2025-08-11. Review status: criteria provided, single submitter. Criteria: Invitae Variant Classification Sherloc (09022015). Collection method: clinical testing. Allele origin: germline.
Comment: This sequence change replaces glutamic acid, which is acidic and polar, with lysine, which is basic and polar, at codon 1551 of the DICER1 protein (p.Glu1551Lys). This variant is not present in population databases (gnomAD no frequency). This variant has not been reported in the literature in individuals affected with DICER1-related conditions. ClinVar contains an entry for this variant (Variation ID: 1742187). Invitae Evidence Modeling of protein sequence and biophysical properties (such as structural, functional, and spatial information, amino acid conservation, physicochemical variation, residue mobility, and thermodynamic stability) indicates that this missense variant is not expected to disrupt DICER1 protein function with a negative predictive value of 95%. In summary, the available evidence is currently insufficient to determine the role of this variant in disease. Therefore, it has been classified as a Variant of Uncertain Significance.

Ambry Genetics
Classification: Uncertain significance for Hereditary cancer-predisposing syndrome. Last evaluated: 2024-09-27. Review status: criteria provided, single submitter. Criteria: Ambry Variant Classification Scheme 2023. Collection method: clinical testing. Allele origin: germline.
Comment: The p.E1551K variant (also known as c.4651G>A), located in coding exon 22 of the DICER1 gene, results from a G to A substitution at nucleotide position 4651. The glutamic acid at codon 1551 is replaced by lysine, an amino acid with similar properties. This amino acid position is conserved. In addition, this alteration is predicted to be deleterious by in silico analysis. Since supporting evidence is limited at this time, the clinical significance of this alteration remains unclear.

NM_177438.3(DICER1):c.4651G>A (p.Glu1551Lys)

Gene: DICER1 (dicer 1, ribonuclease III; minus strand). Cytogenetic location: 14q32.13.
Variant type: single nucleotide variant.
Coding change: c.4651G>A on transcript NM_177438.3 (MANE Select); coding-DNA position 4651, G replaced by A.
Protein change: p.Glu1551Lys; replaces glutamic acid 1551 with lysine.
Molecular consequence: missense variant. On other transcripts: non-coding transcript variant (6).
Genome position (GRCh38, 1-based): chr14:95,096,269, C>T on the plus strand (G>A on the coding strand, the complement: DICER1 is on the minus strand). VCF-style: chr14-95096269-C-T. GRCh37 (hg19) VCF-style: chr14-95562606-C-T.
Other names: c.4651G>A, p.Glu1551Lys (NM_001395678.1, NM_001395679.1, NM_001395680.1 and 13 more transcripts); c.4369G>A, p.Glu1457Lys (NM_001395686.1); c.4246G>A, p.Glu1416Lys (NM_001395687.1, NM_001395688.1, NM_001395689.1 and 2 more transcripts); c.4084G>A, p.Glu1362Lys (NM_001395691.1); c.2968G>A, p.Glu990Lys (NM_001395697.1); short protein forms E1457K, E1551K, E990K, E1362K, E1416K.
Identifiers: ClinVar variation 1742187 (VCV001742187.8), dbSNP rs2139846477, ClinGen allele CA390867607.